The following is an entry in ClinVar:

NM_000176.3(NR3C1):c.*2042C>T

Gene: NR3C1 (nuclear receptor subfamily 3 group C member 1; minus strand). Cytogenetic location: 5q31.3.
Variant type: single nucleotide variant.
Coding change: c.*2042C>T on transcript NM_000176.3 (MANE Select); 2042 bases downstream of the stop codon, C replaced by T.
Molecular consequence: 3 prime UTR variant. On other transcripts: non-coding transcript variant (1), intron variant (1).
Genome position (GRCh38, 1-based): chr5:143,279,847, G>A on the plus strand (C>T on the coding strand, the complement: NR3C1 is on the minus strand). VCF-style: chr5-143279847-G-A. GRCh37 (hg19) VCF-style: chr5-142659412-G-A.
Other names: c.*2042C>T (NM_001018074.1, NM_001018075.1, NM_001018076.2 and 15 more transcripts); c.2182-436C>T (NM_001020825.2).
Identifiers: ClinVar variation 351334 (VCV000351334.5), dbSNP rs13306586, ClinGen allele CA10620410.

ClinVar aggregate classification (germline): Likely benign (1 of 4 stars; one submission).

Conditions:
Glucocorticoid resistance. Also called: Gccr deficiency; Glucocorticoid receptor deficiency; Cortisol resistance from glucocorticoid receptor defect; Gcr deficiency; Glucocorticoid resistance, generalized. Identifiers: Orphanet 786, MedGen C1841972, MONDO:0014421, OMIM 615962.

Allele frequency attached by ClinVar (database versions not stated): gnomAD exomes 0.00044; gnomAD 0.00131; TOPMed 0.00158; 1000 Genomes Project 30x 0.00609; 1000 Genomes Project 0.00639.
gnomAD v4.1: 166 of 159,364 alleles (0.1%); highest among the groups gnomAD compares: East Asian, 2.2%; 3 homozygotes.

Submission:

Illumina Laboratory Services, Illumina
Classification: Likely benign for Glucocorticoid resistance. Last evaluated: 2018-01-13. Review status: criteria provided, single submitter. Criteria: ICSL Variant Classification Criteria 13 December 2019. Collection method: clinical testing. Allele origin: germline.
Comment: This variant was observed in the ICSL laboratory as part of a predisposition screen in an ostensibly healthy population. It had not been previously curated by ICSL or reported in the Human Gene Mutation Database (HGMD: prior to June 1st, 2018), and was therefore a candidate for classification through an automated scoring system. Utilizing variant allele frequency, disease prevalence and penetrance estimates, and inheritance mode, an automated score was calculated to assess if this variant is too frequent to cause the disease. Based on the score and internal cut-off values, a variant classified as likely benign is not then subjected to further curation. The score for this variant resulted in a classification of likely benign for this disease.